The following is an entry in ClinVar:

ClinVar aggregate classification (germline): Uncertain significance (1 of 4 stars; one submission).

Allele frequency attached by ClinVar (database versions not stated): gnomAD exomes below 0.00001; TOPMed below 0.00001; gnomAD 0.00001.
gnomAD v4.1: 3 of 1,614,018 alleles (0.00019%); highest among the groups gnomAD compares: Non-Finnish European, 0.00025%; no homozygotes.

Submission:

Labcorp Genetics (formerly Invitae), Labcorp
Classification: Uncertain significance. Last evaluated: 2023-08-17. Review status: criteria provided, single submitter. Criteria: Invitae Variant Classification Sherloc (09022015). Collection method: clinical testing. Allele origin: germline.
Comment: In summary, the available evidence is currently insufficient to determine the role of this variant in disease. Therefore, it has been classified as a Variant of Uncertain Significance. Advanced modeling of protein sequence and biophysical properties (such as structural, functional, and spatial information, amino acid conservation, physicochemical variation, residue mobility, and thermodynamic stability) performed at Invitae indicates that this missense variant is not expected to disrupt GUCY2C protein function. This variant has not been reported in the literature in individuals affected with GUCY2C-related conditions. This variant is present in population databases (no rsID available, gnomAD 0.007%). This sequence change replaces asparagine, which is neutral and polar, with lysine, which is basic and polar, at codon 53 of the GUCY2C protein (p.Asn53Lys).

NM_004963.4(GUCY2C):c.159C>A (p.Asn53Lys)

Genes: GUCY2C (guanylate cyclase 2C; minus strand), GUCY2C-AS1 (GUCY2C antisense RNA 1; plus strand). Cytogenetic location: 12p12.3.
Variant type: single nucleotide variant.
Coding change: c.159C>A on transcript NM_004963.4 (MANE Select); coding-DNA position 159, C replaced by A.
Protein change: p.Asn53Lys; replaces asparagine 53 with lysine.
Molecular consequence: missense variant.
Genome position (GRCh38, 1-based): chr12:14,696,290, G>T on the plus strand (C>A on the coding strand, the complement: GUCY2C is on the minus strand). VCF-style: chr12-14696290-G-T. GRCh37 (hg19) VCF-style: chr12-14849224-G-T.
Other names: short protein forms N53K.
Identifiers: ClinVar variation 2806935 (VCV002806935.3), dbSNP rs1178403571, ClinGen allele CA384008925.